The following is an entry in ClinVar:

NM_014845.6(FIG4):c.1750+3A>G

Gene: FIG4 (FIG4 phosphoinositide 5-phosphatase; plus strand). Cytogenetic location: 6q21.
Variant type: single nucleotide variant.
Coding change: c.1750+3A>G on transcript NM_014845.6 (MANE Select); 3 bases into the intron after coding-DNA position 1750, A replaced by G.
Molecular consequence: intron variant.
Genome position (GRCh38, 1-based): chr6:109,766,898, A>G. VCF-style: chr6-109766898-A-G. GRCh37 (hg19) VCF-style: chr6-110088101-A-G.
Identifiers: ClinVar variation 645929 (VCV000645929.6), dbSNP rs758390500, ClinGen allele CA3956162.

ClinVar aggregate classification (germline): Uncertain significance (1 of 4 stars; one submission).

Conditions:
Charcot-Marie-Tooth disease type 4. Also called: Charcot-Marie-Tooth disease, type IV; Charcot-Marie-Tooth, Type 4. Identifiers: Orphanet 64749, MedGen C4082197, MONDO:0018995.

Allele frequency attached by ClinVar (database versions not stated): gnomAD exomes below 0.00001 and 0.00001; TOPMed below 0.00001; gnomAD 0.00001; ExAC 0.00002.
gnomAD v4.1: 6 of 1,612,740 alleles (0.00037%); highest among the groups gnomAD compares: African/African-American, 0.0027%; no homozygotes.

Submission:

Labcorp Genetics (formerly Invitae), Labcorp
Classification: Uncertain significance for Charcot-Marie-Tooth disease type 4. Last evaluated: 2024-04-29. Review status: criteria provided, single submitter. Criteria: Invitae Variant Classification Sherloc (09022015). Collection method: clinical testing. Allele origin: germline.
Comment: This sequence change falls in intron 15 of the FIG4 gene. It does not directly change the encoded amino acid sequence of the FIG4 protein. It affects a nucleotide within the consensus splice site. This variant is present in population databases (rs758390500, gnomAD 0.002%). This variant has not been reported in the literature in individuals affected with FIG4-related conditions. ClinVar contains an entry for this variant (Variation ID: 645929). Variants that disrupt the consensus splice site are a relatively common cause of aberrant splicing (PMID: 17576681, 9536098). Algorithms developed to predict the effect of sequence changes on RNA splicing suggest that this variant is not likely to affect RNA splicing. In summary, the available evidence is currently insufficient to determine the role of this variant in disease. Therefore, it has been classified as a Variant of Uncertain Significance.

Literature cited by the submitters: PubMed 17576681; PubMed 9536098.